The following is an entry in ClinVar:

NM_000443.4(ABCB4):c.989T>C (p.Ile330Thr)

Gene: ABCB4 (ATP binding cassette subfamily B member 4; minus strand). Cytogenetic location: 7q21.12.
Variant type: single nucleotide variant.
Coding change: c.989T>C on transcript NM_000443.4 (MANE Select); coding-DNA position 989, T replaced by C.
Protein change: p.Ile330Thr; replaces isoleucine 330 with threonine.
Molecular consequence: missense variant.
Genome position (GRCh38, 1-based): chr7:87,447,050, A>G on the plus strand (T>C on the coding strand, the complement: ABCB4 is on the minus strand). VCF-style: chr7-87447050-A-G. GRCh37 (hg19) VCF-style: chr7-87076366-A-G.
Other names: c.989T>C, p.Ile330Thr (NM_018849.3, NM_018850.3); short protein forms I330T.
Identifiers: ClinVar variation 4985793 (VCV004985793.1).
Genomic context (GRCh38, chr7:87,447,050, plus strand): 5'-ATAAGATTTTCATATTCTTCATAAATGTTAGGAGAACTACTTACTGTCATTGCATTTCCA[A>G]TAGTATATTCTTTTGATATGACTAGAGTGGATCCATACCAGAAGGCCAGTGCATATGATG-3'
Protein context (NP_000434.1, residues 320-340): STLVISKEYT[Ile330Thr]GNAMTVFFSI

ClinVar aggregate classification (germline): Uncertain significance (1 of 4 stars; one submission).

Conditions:
ABCB4-related disorder. Also called: ABCB4-related disorders; ABCB4-related condition.

gnomAD v4.1: 7 of 1,613,246 alleles (0.00043%); highest among the groups gnomAD compares: Admixed American, 0.0017%; no homozygotes.

Submission:

PreventionGenetics, part of Exact Sciences
Classification: Uncertain significance for ABCB4-related condition. Last evaluated: 2025-06-17. Review status: criteria provided, single submitter. Criteria: ACMG Guidelines, 2015. Collection method: clinical testing. Allele origin: germline.
Comment: The ABCB4 c.989T>C variant is predicted to result in the amino acid substitution p.Ile330Thr. To our knowledge, this variant has not been reported in the literature. This variant is reported in 0.00088% of alleles in individuals of European (Non-Finnish) descent in gnomAD. At this time, the clinical significance of this variant is uncertain due to the absence of conclusive functional and genetic evidence.